The following is an entry in ClinVar:

ClinVar aggregate classification (germline): Likely benign (1 of 4 stars; one submission).

Conditions:
Hypogonadotropic hypogonadism 3 with or without anosmia (HH3). Also called: PROKR2-Related GnRH Deficiency (Kallmann Syndrome 3); HYPOGONADOTROPIC HYPOGONADISM 3 WITH ANOSMIA. Identifiers: Orphanet 478, MedGen C3550478, MONDO:0009482, OMIM 244200.

Submission:

Centre for Medical Genetics,  Mumbai
Classification: Likely benign for Hypogonadotropic hypogonadism 3 with or without anosmia. Last evaluated: 2026-02-09. Review status: criteria provided, single submitter. Criteria: ACMG Guidelines, 2015. Collection method: provider interpretation. Allele origin: germline. Inheritance: Autosomal dominant inheritance. Affected: no. Observed: 1 heterozygote.
Comment: The variant satisfies PM2 criteria; extremely low frequency in gnomAD population databases. However, the variant satisfies BS2 criteria.

Literature cited by the submitters: PubMed 18559922.

NM_144773.4(PROKR2):c.493A>G (p.Met165Val)

Gene: PROKR2 (prokineticin receptor 2; minus strand). Cytogenetic location: 20p12.3.
Variant type: single nucleotide variant.
Coding change: c.493A>G on transcript NM_144773.4 (MANE Select); coding-DNA position 493, A replaced by G.
Protein change: p.Met165Val; replaces methionine 165 with valine.
Molecular consequence: missense variant.
Genome position (GRCh38, 1-based): chr20:5,302,702, T>C on the plus strand (A>G on the coding strand, the complement: PROKR2 is on the minus strand). VCF-style: chr20-5302702-T-C. GRCh37 (hg19) VCF-style: chr20-5283348-T-C.
Other names: short protein forms M165V.
Identifiers: ClinVar variation 4795888 (VCV004795888.1).
Genomic context (GRCh38, chr20:5,302,702, plus strand): 5'-CAATGAGAATGGACACCATCCAGACCAAGGCGATCAGGAAGGAGGCCGTTTGATAATTCA[T>C]CCGTGGTTTCAAGGGGTGAACGATGGCGAGATATCTGGTGGGGGAGGGAAGCCAACAGTA-3'
Protein context (NP_658986.1, residues 155-175): LAIVHPLKPR[Met165Val]NYQTASFLIA